The following is an entry in ClinVar:

NM_004996.4(ABCC1):c.4202C>T (p.Thr1401Met)

Gene: ABCC1 (ATP binding cassette subfamily C member 1 (ABCC1 blood group); plus strand). Cytogenetic location: 16p13.11.
Variant type: single nucleotide variant.
Coding change: c.4202C>T on transcript NM_004996.4 (MANE Select); coding-DNA position 4202, C replaced by T.
Protein change: p.Thr1401Met; replaces threonine 1401 with methionine.
Molecular consequence: missense variant.
Genome position (GRCh38, 1-based): chr16:16,136,554, C>T. VCF-style: chr16-16136554-C-T. GRCh37 (hg19) VCF-style: chr16-16230411-C-T.
Other names: c.4025C>T, p.Thr1342Met (NM_019862.3); short protein forms T1342M, T1401M.
Identifiers: ClinVar variation 3041865 (VCV003041865.2), dbSNP rs8057331, ClinGen allele CA7924998.

ClinVar aggregate classification (germline): Likely benign (0 of 4 stars; one submission).

Conditions:
ABCC1-related disorder. Also called: ABCC1-related condition.

Allele frequency attached by ClinVar (database versions not stated): gnomAD exomes 0.00005; ExAC 0.00015; ESP Exome Variant Server 0.00057; gnomAD 0.00059; 1000 Genomes Project 0.00060; 1000 Genomes Project 30x 0.00062.
gnomAD v4.1: 172 of 1,614,160 alleles (0.011%); highest among the groups gnomAD compares: African/African-American, 0.19%; no homozygotes.

Submission:

PreventionGenetics, part of Exact Sciences
Classification: Likely benign for ABCC1-related condition. Last evaluated: 2021-02-08. Review status: no assertion criteria provided. Collection method: clinical testing. Allele origin: germline.
Comment: This variant is classified as likely benign based on ACMG/AMP sequence variant interpretation guidelines (Richards et al. 2015 PMID: 25741868, with internal and published modifications).